The following is an entry in ClinVar:

NM_001135649.3(FOXI3):c.32T>G (p.Val11Gly)

Gene: FOXI3 (forkhead box I3; minus strand). Cytogenetic location: 2p11.2.
Variant type: single nucleotide variant.
Coding change: c.32T>G on transcript NM_001135649.3 (MANE Select); coding-DNA position 32, T replaced by G.
Protein change: p.Val11Gly; replaces valine 11 with glycine.
Molecular consequence: missense variant.
Genome position (GRCh38, 1-based): chr2:88,452,504, A>C on the plus strand (T>G on the coding strand, the complement: FOXI3 is on the minus strand). VCF-style: chr2-88452504-A-C. GRCh37 (hg19) VCF-style: chr2-88752022-A-C.
Other names: c.32T>G (NM_001135649.1); short protein forms V11G.
Identifiers: ClinVar variation 1428975 (VCV001428975.7), dbSNP rs1475918444, ClinGen allele CA347767192.

ClinVar aggregate classification (germline): Uncertain significance. Review status: criteria provided, multiple submitters, no conflicts (2 of 4 stars). 2 submissions from 2 submitters: Uncertain significance (2). Last evaluated 2023-05-03.

Conditions:
Inborn genetic diseases. Identifiers: MedGen C0950123, MeSH D030342.

Allele frequency attached by ClinVar (database versions not stated): gnomAD exomes below 0.00001; gnomAD 0.00001 and 0.00003; 1000 Genomes Project 30x 0.00031.
gnomAD v4.1: 8 of 1,080,138 alleles (0.00074%); highest among the groups gnomAD compares: East Asian, 0.046%; no homozygotes.

Submissions (2):

Ambry Genetics
Classification: Uncertain significance for Inborn genetic diseases. Last evaluated: 2023-05-03. Review status: criteria provided, single submitter. Criteria: Ambry Variant Classification Scheme 2023. Collection method: clinical testing. Allele origin: germline.

Labcorp Genetics (formerly Invitae), Labcorp
Classification: Uncertain significance. Last evaluated: 2022-03-13. Review status: criteria provided, single submitter. Criteria: Invitae Variant Classification Sherloc (09022015). Collection method: clinical testing. Allele origin: germline.
Comment: In summary, the available evidence is currently insufficient to determine the role of this variant in disease. Therefore, it has been classified as a Variant of Uncertain Significance. Experimental studies and prediction algorithms are not available or were not evaluated, and the functional significance of this variant is currently unknown. This variant has not been reported in the literature in individuals affected with FOXI3-related conditions. The frequency data for this variant in the population databases is considered unreliable, as metrics indicate insufficient coverage at this position in the gnomAD database. This sequence change replaces valine, which is neutral and non-polar, with glycine, which is neutral and non-polar, at codon 11 of the FOXI3 protein (p.Val11Gly).